The following is an entry in ClinVar:

NM_000097.7(CPOX):c.1182A>C (p.Glu394Asp)

Gene: CPOX (coproporphyrinogen oxidase; minus strand). Cytogenetic location: 3q11.2.
Variant type: single nucleotide variant.
Coding change: c.1182A>C on transcript NM_000097.7 (MANE Select); coding-DNA position 1182, A replaced by C.
Protein change: p.Glu394Asp; replaces glutamic acid 394 with aspartic acid.
Molecular consequence: missense variant.
Genome position (GRCh38, 1-based): chr3:98,581,502, T>G on the plus strand (A>C on the coding strand, the complement: CPOX is on the minus strand). VCF-style: chr3-98581502-T-G. GRCh37 (hg19) VCF-style: chr3-98300346-T-G.
Other names: short protein forms E394D.
Identifiers: ClinVar variation 3371037 (VCV003371037.1).
Genomic context (GRCh38, chr3:98,581,502, plus strand): 5'-AATTCTGGATCCTGGAGTGAAGAGGCCAAACTTTGTGCCCCGATCATACAGCAGATTAAA[T>G]TCTACATACCTGCCATAAATACATCAAATAACATTAAGGGCCAGCTCAATAAAATCTTAA-3'
Protein context (NP_000088.3, residues 384-404): WQQLRRGRYV[Glu394Asp]FNLLYDRGTK

ClinVar aggregate classification (germline): Uncertain significance (1 of 4 stars; one submission).

gnomAD v4.1: 1 of 1,612,630 alleles (0.000062%); highest among the groups gnomAD compares: Middle Eastern, 0.017%; no homozygotes.

Submission:

GeneDx
Classification: Uncertain significance. Last evaluated: 2024-03-15. Review status: criteria provided, single submitter. Criteria: GeneDx Variant Classification Process June 2021. Collection method: clinical testing. Allele origin: germline. Affected: yes.
Comment: Not observed at significant frequency in large population cohorts (gnomAD); In silico analysis supports that this missense variant has a deleterious effect on protein structure/function; Has not been previously published as pathogenic or benign to our knowledge